The following is an entry in ClinVar:

NM_000426.4(LAMA2):c.2658T>A (p.Cys886Ter)

Gene: LAMA2 (laminin subunit alpha 2; plus strand). Cytogenetic location: 6q22.33.
Variant type: single nucleotide variant.
Coding change: c.2658T>A on transcript NM_000426.4 (MANE Select); coding-DNA position 2658, T replaced by A.
Protein change: p.Cys886Ter; replaces cysteine 886 with a stop codon.
Molecular consequence: nonsense.
Genome position (GRCh38, 1-based): chr6:129,287,967, T>A. VCF-style: chr6-129287967-T-A. GRCh37 (hg19) VCF-style: chr6-129609112-T-A.
Other names: c.2658T>A (NM_000426.3); c.2658T>A, p.Cys886Ter (NM_001079823.2); short protein forms C886*.
Identifiers: ClinVar variation 984195 (VCV000984195.11), dbSNP rs1789395190, ClinGen allele CA365609957.

ClinVar aggregate classification (germline): Pathogenic/Likely pathogenic. Review status: criteria provided, multiple submitters, no conflicts (2 of 4 stars). 3 submissions from 3 submitters: Pathogenic (1); Likely pathogenic (2). Last evaluated 2024-05-03.

Conditions:
LAMA2-related muscular dystrophy (LAMA2-RD). Also called: Laminin alpha 2-related dystrophy. Identifiers: MedGen C5679788, MONDO:0100228.

gnomAD v4.1: 1 of 1,614,116 alleles (0.000062%); no homozygotes.

Submissions (3):

Revvity Omics, Revvity
Classification: Likely pathogenic. Last evaluated: 2024-05-03. Review status: criteria provided, single submitter. Criteria: ACMG Guidelines, 2015. Collection method: clinical testing. Allele origin: germline.

Labcorp Genetics (formerly Invitae), Labcorp
Classification: Pathogenic for LAMA2-related muscular dystrophy. Last evaluated: 2022-08-23. Review status: criteria provided, single submitter. Criteria: Invitae Variant Classification Sherloc (09022015). Collection method: clinical testing. Allele origin: germline.
Comment: For these reasons, this variant has been classified as Pathogenic. ClinVar contains an entry for this variant (Variation ID: 984195). This variant has not been reported in the literature in individuals affected with LAMA2-related conditions. This variant is not present in population databases (gnomAD no frequency). This sequence change creates a premature translational stop signal (p.Cys886*) in the LAMA2 gene. It is expected to result in an absent or disrupted protein product. Loss-of-function variants in LAMA2 are known to be pathogenic (PMID: 18700894, 32904964).

Myriad Genetics, Inc.
Classification: Likely pathogenic for LAMA2-related muscular dystrophy. Last evaluated: 2019-07-28. Review status: criteria provided, single submitter. Criteria: Myriad Autosomal Dominant, Autosomal Recessive and X-Linked Classification Criteria (2023). Collection method: clinical testing. Allele origin: unknown.
Comment: NM_000426.3(LAMA2):c.2658T>A(C886*) is expected to be pathogenic in the context of LAMA2-related muscular dystrophy. This variant is predicted to lead to an abnormal or absent protein product due to the creation of a premature termination codon in LAMA2, a gene where loss-of-function variants are known to be pathogenic. Please note: this variant was assessed in the context of healthy population screening.

Literature cited by the submitters: PubMed 18700894 (cited by Labcorp Genetics (formerly Invitae), Labcorp); PubMed 32904964 (cited by Labcorp Genetics (formerly Invitae), Labcorp).